The following is an entry in ClinVar:

NM_001211.6(BUB1B):c.858G>T (p.Glu286Asp)

Gene: BUB1B (BUB1 mitotic checkpoint serine/threonine kinase B; plus strand). Cytogenetic location: 15q15.1.
Variant type: single nucleotide variant.
Coding change: c.858G>T on transcript NM_001211.6 (MANE Select); coding-DNA position 858, G replaced by T.
Protein change: p.Glu286Asp; replaces glutamic acid 286 with aspartic acid.
Molecular consequence: missense variant.
Genome position (GRCh38, 1-based): chr15:40,185,271, G>T. VCF-style: chr15-40185271-G-T. GRCh37 (hg19) VCF-style: chr15-40477472-G-T.
Other names: short protein forms E286D.
Identifiers: ClinVar variation 3221449 (VCV003221449.1), dbSNP rs1457745893, ClinGen allele CA391684406.
Genomic context (GRCh38, chr15:40,185,271, plus strand): 5'-GCAAAATAATAGTAGAATTACTGTTTTTGATGAAAATGCTGATGAGGCTTCTACAGCAGA[G>T]TTGTCTAAGCCTACAGTCCAGCCATGGATAGCACCCCCCATGCCCAGGGCCAAAGAGAAT-3'
Protein context (NP_001202.5, residues 276-296): DENADEASTA[Glu286Asp]LSKPTVQPWI

ClinVar aggregate classification (germline): Uncertain significance (1 of 4 stars; one submission).

Conditions:
Inborn genetic diseases. Identifiers: MedGen C0950123, MeSH D030342.

Allele frequency attached by ClinVar (database versions not stated): gnomAD exomes below 0.00001.
gnomAD v4.1: 1 of 1,614,174 alleles (0.000062%); highest among the groups gnomAD compares: Admixed American, 0.0017%; no homozygotes.

Submission:

Ambry Genetics
Classification: Uncertain significance for Inborn genetic diseases. Last evaluated: 2023-11-01. Review status: criteria provided, single submitter. Criteria: Ambry Variant Classification Scheme 2023. Collection method: clinical testing. Allele origin: germline.
Comment: The p.E286D variant (also known as c.858G>T), located in coding exon 7 of the BUB1B gene, results from a G to T substitution at nucleotide position 858. The glutamic acid at codon 286 is replaced by aspartic acid, an amino acid with highly similar properties. This amino acid position is conserved. In addition, this alteration is predicted to be tolerated by in silico analysis. Since supporting evidence is limited at this time, the clinical significance of this alteration remains unclear.